The following is an entry in ClinVar:

NM_000018.4(ACADVL):c.1342G>C (p.Val448Leu)

Gene: ACADVL (acyl-CoA dehydrogenase very long chain; plus strand). Cytogenetic location: 17p13.1.
Variant type: single nucleotide variant.
Coding change: c.1342G>C on transcript NM_000018.4 (MANE Select); coding-DNA position 1342, G replaced by C.
Protein change: p.Val448Leu; replaces valine 448 with leucine.
Molecular consequence: missense variant.
Genome position (GRCh38, 1-based): chr17:7,223,977, G>C. VCF-style: chr17-7223977-G-C. GRCh37 (hg19) VCF-style: chr17-7127296-G-C.
Other names: c.1276G>C, p.Val426Leu (NM_001033859.3); c.1411G>C, p.Val471Leu (NM_001270447.2); c.1114G>C, p.Val372Leu (NM_001270448.2); short protein forms V372L, V426L, V448L, V471L.
Identifiers: ClinVar variation 1720883 (VCV001720883.5), dbSNP rs2071353533, ClinGen allele CA397724921.
Genomic context (GRCh38, chr17:7,223,977, plus strand): 5'-TGGGTAGGCACATCTCAGCACGGGCATATAATTTGTGTGGCCCTGTGCTAGGAACCTGGA[G>C]TAGAGCGTGTGCTCCGAGATCTTCGCATCTTCCGGATCTTTGAGGGGACAAATGACATTC-3'
Protein context (NP_000009.1, residues 438-458): GGMGFMKEPG[Val448Leu]ERVLRDLRIF

ClinVar aggregate classification (germline): Uncertain significance (1 of 4 stars; one submission).

Conditions:
Very long chain acyl-CoA dehydrogenase deficiency (ACADVLD). Also called: Very Long-Chain Acyl-Coenzyme A Dehydrogenase Deficiency; VLCAD Deficiency. Identifiers: Orphanet 26793, MedGen C3887523, MONDO:0008723, OMIM 201475.

Allele frequency attached by ClinVar (database versions not stated): TOPMed 0.00001.

Submission:

Labcorp Genetics (formerly Invitae), Labcorp
Classification: Uncertain significance for Very long chain acyl-CoA dehydrogenase deficiency. Last evaluated: 2024-11-13. Review status: criteria provided, single submitter. Criteria: Invitae Variant Classification Sherloc (09022015). Collection method: clinical testing. Allele origin: germline.
Comment: This sequence change replaces valine, which is neutral and non-polar, with leucine, which is neutral and non-polar, at codon 448 of the ACADVL protein (p.Val448Leu). This variant is not present in population databases (gnomAD no frequency). This missense change has been observed in individual(s) with a positive newborn screening result for ACADVL-related disease (internal data). ClinVar contains an entry for this variant (Variation ID: 1720883). Invitae Evidence Modeling of protein sequence and biophysical properties (such as structural, functional, and spatial information, amino acid conservation, physicochemical variation, residue mobility, and thermodynamic stability) indicates that this missense variant is not expected to disrupt ACADVL protein function with a negative predictive value of 80%. In summary, the available evidence is currently insufficient to determine the role of this variant in disease. Therefore, it has been classified as a Variant of Uncertain Significance.